The following is an entry in ClinVar:

NM_004006.3(DMD):c.982A>G (p.Lys328Glu)

Gene: DMD (dystrophin; minus strand). Cytogenetic location: Xp21.1.
Variant type: single nucleotide variant.
Coding change: c.982A>G on transcript NM_004006.3 (MANE Select); coding-DNA position 982, A replaced by G.
Protein change: p.Lys328Glu; replaces lysine 328 with glutamic acid.
Molecular consequence: missense variant.
Genome position (GRCh38, 1-based): chrX:32,645,131, T>C on the plus strand (A>G on the coding strand, the complement: DMD is on the minus strand). VCF-style: chrX-32645131-T-C. GRCh37 (hg19) VCF-style: chrX-32663248-T-C.
Other names: c.958A>G, p.Lys320Glu (NM_000109.4); c.970A>G, p.Lys324Glu (NM_004009.3); c.613A>G, p.Lys205Glu (NM_004010.3); short protein forms K324E, K320E, K328E, K205E.
Identifiers: ClinVar variation 2171762 (VCV002171762.4), dbSNP rs924068542, ClinGen allele CA412662365.

ClinVar aggregate classification (germline): Uncertain significance (1 of 4 stars; one submission).

Conditions:
Duchenne muscular dystrophy (DMD). Also called: MUSCULAR DYSTROPHY, PSEUDOHYPERTROPHIC PROGRESSIVE, DUCHENNE TYPE; Duchenne Muscular Dystrophy (DMD). Identifiers: Orphanet 98896, MedGen C0013264, MONDO:0010679, OMIM 310200.

Submission:

Labcorp Genetics (formerly Invitae), Labcorp
Classification: Uncertain significance for Duchenne muscular dystrophy. Last evaluated: 2024-09-11. Review status: criteria provided, single submitter. Criteria: Invitae Variant Classification Sherloc (09022015). Collection method: clinical testing. Allele origin: germline.
Comment: This sequence change replaces lysine, which is basic and polar, with glutamic acid, which is acidic and polar, at codon 328 of the DMD protein (p.Lys328Glu). This variant is not present in population databases (gnomAD no frequency). This variant has not been reported in the literature in individuals affected with DMD-related conditions. ClinVar contains an entry for this variant (Variation ID: 2171762). Invitae Evidence Modeling of protein sequence and biophysical properties (such as structural, functional, and spatial information, amino acid conservation, physicochemical variation, residue mobility, and thermodynamic stability) indicates that this missense variant is not expected to disrupt DMD protein function with a negative predictive value of 95%. In summary, the available evidence is currently insufficient to determine the role of this variant in disease. Therefore, it has been classified as a Variant of Uncertain Significance.